The following is an entry in ClinVar:

NC_000011.9:g.(?_65306779)_(65307119_?)dup

Gene: LTBP3 (latent transforming growth factor beta binding protein 3; minus strand). Cytogenetic location: 11q13.1.
Variant type: Duplication.
Identifiers: ClinVar variation 2423786 (VCV002423786.5).

ClinVar aggregate classification (germline): Uncertain significance (1 of 4 stars; one submission).

Conditions:
Brachyolmia-amelogenesis imperfecta syndrome. Also called: PLATYSPONDYLY WITH AMELOGENESIS IMPERFECTA; Tooth agenesis, selective, 6; Dental anomalies and short stature. Identifiers: Orphanet 2899, MedGen C1832594, MONDO:0011018, OMIM 601216. Disease mechanism: loss of function.

Submission:

Labcorp Genetics (formerly Invitae), Labcorp
Classification: Uncertain significance for Brachyolmia-amelogenesis imperfecta syndrome. Last evaluated: 2022-07-12. Review status: criteria provided, single submitter. Criteria: Invitae Variant Classification Sherloc (09022015). Collection method: clinical testing. Allele origin: germline.
Comment: Experimental studies and prediction algorithms are not available or were not evaluated, and the functional significance of this variant is currently unknown. This variant has not been reported in the literature in individuals affected with LTBP3-related conditions. This variant results in a copy number gain of the genomic region encompassing exon(s) 26-27 of the LTBP3 gene. While the exact position of this variant cannot be determined from the data, sub-genic copy number gains are generally in tandem (PMID: 25640679). This variant is predicted to be in-frame, and likely preserves the integrity of the reading frame. In summary, the available evidence is currently insufficient to determine the role of this variant in disease. Therefore, it has been classified as a Variant of Uncertain Significance.

Literature cited by the submitters: PubMed 25640679.